The following is an entry in ClinVar:

NM_004006.3(DMD):c.4273G>T (p.Glu1425Ter)

Gene: DMD (dystrophin; minus strand). Cytogenetic location: Xp21.1.
Variant type: single nucleotide variant.
Coding change: c.4273G>T on transcript NM_004006.3 (MANE Select); coding-DNA position 4273, G replaced by T.
Protein change: p.Glu1425Ter; replaces glutamic acid 1425 with a stop codon.
Molecular consequence: nonsense.
Genome position (GRCh38, 1-based): chrX:32,390,142, C>A on the plus strand (G>T on the coding strand, the complement: DMD is on the minus strand). VCF-style: chrX-32390142-C-A. GRCh37 (hg19) VCF-style: chrX-32408259-C-A.
Other names: c.4249G>T, p.Glu1417Ter (NM_000109.4); c.4261G>T, p.Glu1421Ter (NM_004009.3); c.3904G>T, p.Glu1302Ter (NM_004010.3); c.250G>T, p.Glu84Ter (NM_004011.4); c.241G>T, p.Glu81Ter (NM_004012.4); short protein forms E1302*, E1421*, E1425*, E84*, E1417*, E81*.
Identifiers: ClinVar variation 1384039 (VCV001384039.6), dbSNP rs2147621084, ClinGen allele CA412664123.

ClinVar aggregate classification (germline): Pathogenic (1 of 4 stars; one submission).

Conditions:
Duchenne muscular dystrophy (DMD). Also called: MUSCULAR DYSTROPHY, PSEUDOHYPERTROPHIC PROGRESSIVE, DUCHENNE TYPE; Duchenne Muscular Dystrophy (DMD). Identifiers: Orphanet 98896, MedGen C0013264, MONDO:0010679, OMIM 310200.

Submission:

Labcorp Genetics (formerly Invitae), Labcorp
Classification: Pathogenic for Duchenne muscular dystrophy. Last evaluated: 2021-11-03. Review status: criteria provided, single submitter. Criteria: Invitae Variant Classification Sherloc (09022015). Collection method: clinical testing. Allele origin: germline.
Comment: For these reasons, this variant has been classified as Pathogenic. This sequence change creates a premature translational stop signal (p.Glu1425*) in the DMD gene. It is expected to result in an absent or disrupted protein product. Loss-of-function variants in DMD are known to be pathogenic (PMID: 16770791, 25007885). This variant is not present in population databases (gnomAD no frequency). This variant has not been reported in the literature in individuals affected with DMD-related conditions.

Literature cited by the submitters: PubMed 16770791; PubMed 25007885.